The following is an entry in ClinVar:

NM_006231.4(POLE):c.3733C>T (p.Leu1245Phe)

Gene: POLE (DNA polymerase epsilon, catalytic subunit; minus strand). Cytogenetic location: 12q24.33.
Variant type: single nucleotide variant.
Coding change: c.3733C>T on transcript NM_006231.4 (MANE Select); coding-DNA position 3733, C replaced by T.
Protein change: p.Leu1245Phe; replaces leucine 1245 with phenylalanine.
Molecular consequence: missense variant.
Genome position (GRCh38, 1-based): chr12:132,649,739, G>A on the plus strand (C>T on the coding strand, the complement: POLE is on the minus strand). VCF-style: chr12-132649739-G-A. GRCh37 (hg19) VCF-style: chr12-133226325-G-A.
Other names: short protein forms L1245F.
Identifiers: ClinVar variation 579569 (VCV000579569.12), dbSNP rs1431438300, ClinGen allele CA387386260.

ClinVar aggregate classification (germline): Conflicting classifications of pathogenicity. Review status: criteria provided, conflicting classifications (1 of 4 stars). 2 submissions from 2 submitters: Uncertain significance (1); Likely benign (1). Last evaluated 2025-03-11.

Conditions:
Hereditary cancer-predisposing syndrome. Also called: Neoplastic Syndromes, Hereditary; Tumor predisposition; Hereditary neoplastic syndrome; Hereditary Cancer Syndrome. Identifiers: Orphanet 140162, MedGen C0027672, MeSH D009386, MONDO:0015356.

Allele frequency attached by ClinVar (database versions not stated): gnomAD exomes below 0.00001.
gnomAD v4.1: 2 of 1,614,214 alleles (0.00012%); highest among the groups gnomAD compares: Admixed American, 0.0033%; no homozygotes.

Submissions (2):

Ambry Genetics
Classification: Likely benign for Hereditary cancer-predisposing syndrome. Last evaluated: 2025-03-11. Review status: criteria provided, single submitter. Criteria: Ambry Variant Classification Scheme 2023. Collection method: clinical testing. Allele origin: germline.

Labcorp Genetics (formerly Invitae), Labcorp
Classification: Uncertain significance. Last evaluated: 2023-06-27. Review status: criteria provided, single submitter. Criteria: Invitae Variant Classification Sherloc (09022015). Collection method: clinical testing. Allele origin: germline.
Comment: This sequence change replaces leucine, which is neutral and non-polar, with phenylalanine, which is neutral and non-polar, at codon 1245 of the POLE protein (p.Leu1245Phe). This variant is present in population databases (no rsID available, gnomAD 0.003%). This variant has not been reported in the literature in individuals affected with POLE-related conditions. ClinVar contains an entry for this variant (Variation ID: 579569). Advanced modeling of protein sequence and biophysical properties (such as structural, functional, and spatial information, amino acid conservation, physicochemical variation, residue mobility, and thermodynamic stability) performed at Invitae indicates that this missense variant is not expected to disrupt POLE protein function. In summary, the available evidence is currently insufficient to determine the role of this variant in disease. Therefore, it has been classified as a Variant of Uncertain Significance.